The following is an entry in ClinVar:

ClinVar aggregate classification (germline): Likely benign (0 of 4 stars; one submission).

Conditions:
APOL1-related disorder. Also called: APOL1-related condition.

Allele frequency attached by ClinVar (database versions not stated): ExAC 0.00002; TOPMed 0.00005; gnomAD 0.00007; gnomAD exomes 0.00011.
gnomAD v4.1: 173 of 1,614,076 alleles (0.011%); highest among the groups gnomAD compares: East Asian, 0.013%; no homozygotes.

Submission:

PreventionGenetics, part of Exact Sciences
Classification: Likely benign for APOL1-related condition. Last evaluated: 2021-04-12. Review status: no assertion criteria provided. Collection method: clinical testing. Allele origin: germline.
Comment: This variant is classified as likely benign based on ACMG/AMP sequence variant interpretation guidelines (Richards et al. 2015 PMID: 25741868, with internal and published modifications).

NM_003661.4(APOL1):c.-20+771T>C

Gene: APOL1 (apolipoprotein L1; plus strand). Cytogenetic location: 22q12.3.
Variant type: single nucleotide variant.
Coding change: c.-20+771T>C on transcript NM_003661.4 (MANE Select); 771 bases into the intron after 20 bases upstream of the start codon, T replaced by C.
Molecular consequence: intron variant. On other transcripts: synonymous variant (1).
Genome position (GRCh38, 1-based): chr22:36,253,990, T>C. VCF-style: chr22-36253990-T-C. GRCh37 (hg19) VCF-style: chr22-36650036-T-C.
Other names: c.28T>C, p.Leu10= (NM_145343.3); c.-59+771T>C (NM_001136540.2, NM_001362927.2); c.-20+771T>C (NM_001136541.2).
Identifiers: ClinVar variation 3031206 (VCV003031206.2), dbSNP rs781603527, ClinGen allele CA10208407.